The following is an entry in ClinVar:

NM_001110556.2(FLNA):c.3526G>A (p.Gly1176Arg)

Gene: FLNA (filamin A; minus strand). Cytogenetic location: Xq28.
Variant type: single nucleotide variant.
Coding change: c.3526G>A on transcript NM_001110556.2 (MANE Select); coding-DNA position 3526, G replaced by A.
Protein change: p.Gly1176Arg; replaces glycine 1176 with arginine.
Molecular consequence: missense variant.
Genome position (GRCh38, 1-based): chrX:154,360,269, C>T on the plus strand (G>A on the coding strand, the complement: FLNA is on the minus strand). VCF-style: chrX-154360269-C-T. GRCh37 (hg19) VCF-style: chrX-153588637-C-T.
Other names: c.3526G>A, p.Gly1176Arg (NM_001456.4); short protein forms G1176R.
Identifiers: ClinVar variation 4529765 (VCV004529765.1).
Genomic context (GRCh38, chrX:154,360,269, plus strand): 5'-CAATGGTCAGCTCCGCGCTGCCCGCGCTCGAGCAGTCCACTTGGAATTGGCCCACCTCCC[C>T]AGCGGTGGCCCGCTCCAGCCCGGGGCCTGAGCACTTGACTTTGGATGCGTCAAAGCAGGG-3'
Protein context (NP_001104026.1, residues 1166-1186): SGPGLERATA[Gly1176Arg]EVGQFQVDCS

ClinVar aggregate classification (germline): Uncertain significance (1 of 4 stars; one submission).

Submission:

GeneDx
Classification: Uncertain significance. Last evaluated: 2025-05-15. Review status: criteria provided, single submitter. Criteria: GeneDx Variant Classification Process June 2021. Collection method: clinical testing. Allele origin: germline. Affected: yes.
Comment: Not observed at significant frequency in large population cohorts (gnomAD); In silico analysis supports that this missense variant has a deleterious effect on protein structure/function; Has not been previously published as pathogenic or benign to our knowledge